The following is an entry in ClinVar:

NM_001854.4(COL11A1):c.5398G>T (p.Gly1800Cys)

Gene: COL11A1 (collagen type XI alpha 1 chain; minus strand). Cytogenetic location: 1p21.1.
Variant type: single nucleotide variant.
Coding change: c.5398G>T on transcript NM_001854.4 (MANE Select); coding-DNA position 5398, G replaced by T.
Protein change: p.Gly1800Cys; replaces glycine 1800 with cysteine.
Molecular consequence: missense variant. On other transcripts: non-coding transcript variant (1).
Genome position (GRCh38, 1-based): chr1:102,878,042, C>A on the plus strand (G>T on the coding strand, the complement: COL11A1 is on the minus strand). VCF-style: chr1-102878042-C-A. GRCh37 (hg19) VCF-style: chr1-103343598-C-A.
Other names: c.5050G>T, p.Gly1684Cys (NM_001168249.1, NM_080630.4); c.5281G>T, p.Gly1761Cys (NM_001190709.2); c.5434G>T, p.Gly1812Cys (NM_080629.3); short protein forms G1684C, G1761C, G1800C, G1812C.
Identifiers: ClinVar variation 1878855 (VCV001878855.7), dbSNP rs958368134, ClinGen allele CA341210425.

ClinVar aggregate classification (germline): Uncertain significance. Review status: criteria provided, multiple submitters, no conflicts (2 of 4 stars). 2 submissions from 2 submitters: Uncertain significance (2). Last evaluated 2025-07-19.

Allele frequency attached by ClinVar (database versions not stated): gnomAD exomes below 0.00001; gnomAD 0.00001.
gnomAD v4.1: 6 of 1,613,378 alleles (0.00037%); highest among the groups gnomAD compares: Non-Finnish European, 0.00051%; no homozygotes.

Submissions (2):

GeneDx
Classification: Uncertain significance. Last evaluated: 2025-07-19. Review status: criteria provided, single submitter. Criteria: GeneDx Variant Classification Process June 2021. Collection method: clinical testing. Allele origin: germline. Affected: yes.
Comment: Observed with a second variant on the opposite allele (in trans) in a patient with hearing loss and ocular anomalies in published literature (Richards et al., 2013); clinical information on the family is limited; In silico analysis supports that this missense variant has a deleterious effect on protein structure/function; Not observed at significant frequency in large population cohorts (gnomAD); This variant is associated with the following publications: (PMID: 23922384, 35885918, 25240749, 24077912)

Labcorp Genetics (formerly Invitae), Labcorp
Classification: Uncertain significance. Last evaluated: 2023-04-25. Review status: criteria provided, single submitter. Criteria: Invitae Variant Classification Sherloc (09022015). Collection method: clinical testing. Allele origin: germline.
Comment: In summary, the available evidence is currently insufficient to determine the role of this variant in disease. Therefore, it has been classified as a Variant of Uncertain Significance. Advanced modeling of protein sequence and biophysical properties (such as structural, functional, and spatial information, amino acid conservation, physicochemical variation, residue mobility, and thermodynamic stability) has been performed at Invitae for this missense variant, however the output from this modeling did not meet the statistical confidence thresholds required to predict the impact of this variant on COL11A1 protein function. This missense change has been observed in individual(s) with autosomal recessive Stickler syndrome (PMID: 23922384). This variant is present in population databases (no rsID available, gnomAD 0.0009%). This sequence change replaces glycine, which is neutral and non-polar, with cysteine, which is neutral and slightly polar, at codon 1800 of the COL11A1 protein (p.Gly1800Cys).

Literature cited by the submitters: PubMed 23922384 (cited by Labcorp Genetics (formerly Invitae), Labcorp).